The following is an entry in ClinVar:

ClinVar aggregate classification (germline): Pathogenic (1 of 4 stars; one submission).

Conditions:
Kleefstra-like syndrome.

Submission:

Research Unit for Rare Diseases, 1st Faculty of Medicine, Charles University in Prague
Classification: Pathogenic for Kleefstra-like syndrome. Last evaluated: 2025-07-07. Review status: criteria provided, single submitter. Criteria: ACMG Guidelines, 2015. Collection method: clinical testing. Allele origin: de novo. Inheritance: Autosomal dominant inheritance. Affected: yes.
Comment: De-novo variant not present in the databases, episignature profile overlaping with Kleefstra syndrome and clustering together with other EHMT2 pathogenic variants, histone modification and transcriptome analyses resembling Kleefstra syndrome, structural and biochemical analyses showing loss of enzymatic activity, mouse model recapitulating some major features of patients` phenotype

NM_006709.5(EHMT2):c.3485A>G (p.Lys1162Arg)

Genes: EHMT2 (euchromatic histone lysine methyltransferase 2; minus strand), EHMT2-AS1 (EHMT2 and SLC44A4 antisense RNA 1; plus strand). Cytogenetic location: 6p21.33.
Variant type: single nucleotide variant.
Coding change: c.3485A>G on transcript NM_006709.5 (MANE Select); coding-DNA position 3485, A replaced by G.
Protein change: p.Lys1162Arg; replaces lysine 1162 with arginine.
Molecular consequence: missense variant.
Genome position (GRCh38, 1-based): chr6:31,880,232, T>C on the plus strand (A>G on the coding strand, the complement: EHMT2 is on the minus strand). VCF-style: chr6-31880232-T-C. GRCh37 (hg19) VCF-style: chr6-31848009-T-C.
Other names: c.3554A>G, p.Lys1185Arg (NM_001289413.2); c.2879A>G, p.Lys960Arg (NM_001318833.2); c.3656A>G, p.Lys1219Arg (NM_001363689.2); c.3506A>G, p.Lys1169Arg (NM_001395160.1); c.3422A>G, p.Lys1141Arg (NM_001395161.1); c.3407A>G, p.Lys1136Arg (NM_001395162.1); c.3404A>G, p.Lys1135Arg (NM_001395163.1); c.3380A>G, p.Lys1127Arg (NM_001395164.1); and 2 more; short protein forms K1076R, K1127R, K1128R, K1135R, K1136R, K1141R, K1162R, K1169R.
Identifiers: ClinVar variation 4057268 (VCV004057268.1).
Genomic context (GRCh38, chr6:31,880,232, plus strand): 5'-ATGGCTTCGGCTGAGTGCTTGCACTTCTCAGAGCCACATTGGCAGGTGAAATATTTGCTT[T>C]TGATGTCCCAGAAGCGGTCGCCATAGTCAAACCTGTCAGAGGAAAACAGGAGCTTGTGGG-3'
Protein context (NP_006700.3, residues 1152-1172): FDYGDRFWDI[Lys1162Arg]SKYFTCQCGS